The following is an entry in ClinVar:

ClinVar aggregate classification (germline): Uncertain significance (1 of 4 stars; one submission).

Conditions:
Neuromuscular disease caused by qualitative or quantitative defects of dysferlin. Also called: Dysferlinopathy; Qualitative or quantitative defects of dysferlin. Identifiers: Orphanet 207073, MedGen C2931687, MONDO:0016145.

Allele frequency attached by ClinVar (database versions not stated): ExAC 0.00001.
gnomAD v4.1: 6 of 1,613,932 alleles (0.00037%); highest among the groups gnomAD compares: Non-Finnish European, 0.00051%; no homozygotes.

Submission:

Labcorp Genetics (formerly Invitae), Labcorp
Classification: Uncertain significance for Neuromuscular disease caused by qualitative or quantitative defects of dysferlin. Last evaluated: 2021-08-27. Review status: criteria provided, single submitter. Criteria: Invitae Variant Classification Sherloc (09022015). Collection method: clinical testing. Allele origin: germline.
Comment: This sequence change replaces glutamic acid with lysine at codon 228 of the DYSF protein (p.Glu228Lys). The glutamic acid residue is moderately conserved and there is a small physicochemical difference between glutamic acid and lysine. This variant is present in population databases (rs759065714, ExAC 0.002%). This variant has not been reported in the literature in individuals affected with DYSF-related conditions. Advanced modeling of protein sequence and biophysical properties (such as structural, functional, and spatial information, amino acid conservation, physicochemical variation, residue mobility, and thermodynamic stability) performed at Invitae indicates that this missense variant is not expected to disrupt DYSF protein function. In summary, the available evidence is currently insufficient to determine the role of this variant in disease. Therefore, it has been classified as a Variant of Uncertain Significance.

NM_001130987.2(DYSF):c.778G>A (p.Glu260Lys)

Gene: DYSF (dysferlin; plus strand). Cytogenetic location: 2p13.2.
Variant type: single nucleotide variant.
Coding change: c.778G>A on transcript NM_001130987.2 (MANE Select); coding-DNA position 778, G replaced by A.
Protein change: p.Glu260Lys; replaces glutamic acid 260 with lysine.
Molecular consequence: missense variant.
Genome position (GRCh38, 1-based): chr2:71,515,641, G>A. VCF-style: chr2-71515641-G-A. GRCh37 (hg19) VCF-style: chr2-71742771-G-A.
Other names: c.685G>A, p.Glu229Lys (NM_001130455.2, NM_001130983.2, NM_001130984.2 and 1 more transcripts); c.682G>A, p.Glu228Lys (NM_001130976.2, NM_001130977.2, NM_001130978.2 and 1 more transcripts); c.775G>A, p.Glu259Lys (NM_001130979.2, NM_001130980.2, NM_001130981.2); c.778G>A, p.Glu260Lys (NM_001130982.2, NM_001130985.2); short protein forms E259K, E228K, E229K, E260K.
Identifiers: ClinVar variation 1907762 (VCV001907762.2), dbSNP rs759065714, ClinGen allele CA1705459.